The following is an entry in ClinVar:

NM_000824.5(GLRB):c.455A>G (p.Asn152Ser)

Gene: GLRB (glycine receptor beta; plus strand). Cytogenetic location: 4q32.1.
Variant type: single nucleotide variant.
Coding change: c.455A>G on transcript NM_000824.5 (MANE Select); coding-DNA position 455, A replaced by G.
Protein change: p.Asn152Ser; replaces asparagine 152 with serine.
Molecular consequence: missense variant.
Genome position (GRCh38, 1-based): chr4:157,136,626, A>G. VCF-style: chr4-157136626-A-G. GRCh37 (hg19) VCF-style: chr4-158057778-A-G.
Other names: c.455A>G, p.Asn152Ser (NM_001166060.2, NM_001166061.2); short protein forms N152S.
Identifiers: ClinVar variation 1357172 (VCV001357172.5), dbSNP rs374325111, ClinGen allele CA3119759.

ClinVar aggregate classification (germline): Uncertain significance (1 of 4 stars; one submission).

Conditions:
Hyperekplexia 2 (HKPX2). Identifiers: Orphanet 3197, MedGen C3553291, MONDO:0013828, OMIM 614619.

Allele frequency attached by ClinVar (database versions not stated): gnomAD exomes 0.00001 and 0.00002; ExAC 0.00002; gnomAD 0.00002 and 0.00003; TOPMed 0.00003; ESP Exome Variant Server 0.00008.

Submission:

Labcorp Genetics (formerly Invitae), Labcorp
Classification: Uncertain significance for Hyperekplexia 2. Last evaluated: 2022-09-13. Review status: criteria provided, single submitter. Criteria: Invitae Variant Classification Sherloc (09022015). Collection method: clinical testing. Allele origin: germline.
Comment: This sequence change replaces asparagine, which is neutral and polar, with serine, which is neutral and polar, at codon 152 of the GLRB protein (p.Asn152Ser). This variant is present in population databases (rs374325111, gnomAD 0.009%). This variant has not been reported in the literature in individuals affected with GLRB-related conditions. ClinVar contains an entry for this variant (Variation ID: 1357172). Advanced modeling of protein sequence and biophysical properties (such as structural, functional, and spatial information, amino acid conservation, physicochemical variation, residue mobility, and thermodynamic stability) performed at Invitae indicates that this missense variant is not expected to disrupt GLRB protein function. In summary, the available evidence is currently insufficient to determine the role of this variant in disease. Therefore, it has been classified as a Variant of Uncertain Significance.